The following is an entry in ClinVar:

NM_006440.5(TXNRD2):c.1275+198T>C

Gene: TXNRD2 (thioredoxin reductase 2; minus strand). Cytogenetic location: 22q11.21.
Variant type: single nucleotide variant.
Coding change: c.1275+198T>C on transcript NM_006440.5 (MANE Select); 198 bases into the intron after coding-DNA position 1275, T replaced by C.
Molecular consequence: intron variant.
Genome position (GRCh38, 1-based): chr22:19,879,981, A>G on the plus strand (T>C on the coding strand, the complement: TXNRD2 is on the minus strand). VCF-style: chr22-19879981-A-G. GRCh37 (hg19) VCF-style: chr22-19867504-A-G.
Other names: c.1272+198T>C (NM_001352300.2); c.987+198T>C (NM_001352302.2); c.1185+198T>C (NM_001352301.2).
Identifiers: ClinVar variation 678669 (VCV000678669.1), dbSNP rs76576226, ClinGen allele CA322091863.

ClinVar aggregate classification (germline): Benign (1 of 4 stars; one submission).

Allele frequency attached by ClinVar (database versions not stated): gnomAD 0.02653 and 0.02860; 1000 Genomes Project 0.02835; TOPMed 0.02931; 1000 Genomes Project 30x 0.03029.
gnomAD v4.1: 4,005 of 152,130 alleles (2.6%); highest among the groups gnomAD compares: African/African-American, 9%; 208 homozygotes.

Submission:

GeneDx
Classification: Benign. Last evaluated: 2018-06-18. Review status: criteria provided, single submitter. Criteria: GeneDx Variant Classification (06012015). Collection method: clinical testing. Allele origin: germline. Affected: yes.
Comment: This variant is considered likely benign or benign based on one or more of the following criteria: it is a conservative change, it occurs at a poorly conserved position in the protein, it is predicted to be benign by multiple in silico algorithms, and/or has population frequency not consistent with disease.